The following is an entry in ClinVar:

ClinVar aggregate classification (germline): Uncertain significance. Review status: criteria provided, multiple submitters, no conflicts (2 of 4 stars). 2 submissions from 2 submitters: Uncertain significance (2). Last evaluated 2025-10-25.

Conditions:
Hypertrophic cardiomyopathy. Also called: HYPERTROPHIC MYOCARDIOPATHY. Identifiers: Orphanet 217569, MedGen C0007194, MeSH D002312, MONDO:0005045, HP:0001639.

Allele frequency attached by ClinVar (database versions not stated): TOPMed 0.00001; gnomAD 0.00002.
gnomAD v4.1: 3 of 1,612,702 alleles (0.00019%); highest among the groups gnomAD compares: African/African-American, 0.004%; no homozygotes.

Submissions (2):

Ambry Genetics
Classification: Uncertain significance. Last evaluated: 2025-10-25. Review status: criteria provided, single submitter. Criteria: Ambry Variant Classification Scheme 2023. Collection method: clinical testing. Allele origin: germline.
Comment: The p.G537R variant (also known as c.1609G>A), located in coding exon 10 of the MYOM1 gene, results from a G to A substitution at nucleotide position 1609. The glycine at codon 537 is replaced by arginine, an amino acid with dissimilar properties. This amino acid position is conserved. In addition, this alteration is predicted to be tolerated by in silico analysis. Based on the available evidence, the clinical significance of this variant remains unclear.

Labcorp Genetics (formerly Invitae), Labcorp
Classification: Uncertain significance for Hypertrophic cardiomyopathy. Last evaluated: 2025-03-18. Review status: criteria provided, single submitter. Criteria: Invitae Variant Classification Sherloc (09022015). Collection method: clinical testing. Allele origin: germline.
Comment: This sequence change replaces glycine, which is neutral and non-polar, with arginine, which is basic and polar, at codon 537 of the MYOM1 protein (p.Gly537Arg). This variant is not present in population databases (gnomAD no frequency). This variant has not been reported in the literature in individuals affected with MYOM1-related conditions. ClinVar contains an entry for this variant (Variation ID: 660547). Invitae Evidence Modeling of protein sequence and biophysical properties (such as structural, functional, and spatial information, amino acid conservation, physicochemical variation, residue mobility, and thermodynamic stability) has been performed for this missense variant. However, the output from this modeling did not meet the statistical confidence thresholds required to predict the impact of this variant on MYOM1 protein function. In summary, the available evidence is currently insufficient to determine the role of this variant in disease. Therefore, it has been classified as a Variant of Uncertain Significance.

NM_003803.4(MYOM1):c.1609G>A (p.Gly537Arg)

Gene: MYOM1 (myomesin 1; minus strand). Cytogenetic location: 18p11.31.
Variant type: single nucleotide variant.
Coding change: c.1609G>A on transcript NM_003803.4 (MANE Select); coding-DNA position 1609, G replaced by A.
Protein change: p.Gly537Arg; replaces glycine 537 with arginine.
Molecular consequence: missense variant.
Genome position (GRCh38, 1-based): chr18:3,154,981, C>T on the plus strand (G>A on the coding strand, the complement: MYOM1 is on the minus strand). VCF-style: chr18-3154981-C-T. GRCh37 (hg19) VCF-style: chr18-3154979-C-T.
Other names: c.1609G>A, p.Gly537Arg (NM_019856.2); short protein forms G537R.
Identifiers: ClinVar variation 660547 (VCV000660547.9), dbSNP rs1225172308, ClinGen allele CA401714494.